The following is an entry in ClinVar:

NM_020859.4(SHROOM3):c.3393C>T (p.Ser1131=)

Genes: SHROOM3 (shroom family member 3; plus strand), SHROOM3-AS1 (SHROOM3 antisense RNA 1; minus strand). Cytogenetic location: 4q21.1.
Variant type: single nucleotide variant.
Coding change: c.3393C>T on transcript NM_020859.4 (MANE Select); coding-DNA position 3393, C replaced by T.
Protein change: p.Ser1131=; no amino-acid change (serine 1131 retained).
Molecular consequence: synonymous variant.
Genome position (GRCh38, 1-based): chr4:76,741,566, C>T. VCF-style: chr4-76741566-C-T. GRCh37 (hg19) VCF-style: chr4-77662719-C-T.
Identifiers: ClinVar variation 3041110 (VCV003041110.2), dbSNP rs189990679, ClinGen allele CA2972781.

ClinVar aggregate classification (germline): Benign (0 of 4 stars; one submission).

Conditions:
SHROOM3-related disorder. Also called: SHROOM3-related condition.

Allele frequency attached by ClinVar (database versions not stated): ExAC 0.00128; ESP Exome Variant Server 0.00376; 1000 Genomes Project 0.00379; gnomAD 0.00464; 1000 Genomes Project 30x 0.00515; TOPMed 0.00543.
gnomAD v4.1: 1,343 of 1,544,656 alleles (0.087%); highest among the groups gnomAD compares: African/African-American, 1.7%; 15 homozygotes.

Submission:

PreventionGenetics, part of Exact Sciences
Classification: Benign for SHROOM3-related condition. Last evaluated: 2019-10-28. Review status: no assertion criteria provided. Collection method: clinical testing. Allele origin: germline.
Comment: This variant is classified as benign based on ACMG/AMP sequence variant interpretation guidelines (Richards et al. 2015 PMID: 25741868, with internal and published modifications).